The following is an entry in ClinVar:

NM_022052.2(NXF3):c.1277C>G (p.Ala426Gly)

Gene: NXF3 (nuclear RNA export factor 3; minus strand). Cytogenetic location: Xq22.1.
Variant type: single nucleotide variant.
Coding change: c.1277C>G on transcript NM_022052.2 (MANE Select); coding-DNA position 1277, C replaced by G.
Protein change: p.Ala426Gly; replaces alanine 426 with glycine.
Molecular consequence: missense variant.
Genome position (GRCh38, 1-based): chrX:103,079,417, G>C on the plus strand (C>G on the coding strand, the complement: NXF3 is on the minus strand). VCF-style: chrX-103079417-G-C. GRCh37 (hg19) VCF-style: chrX-102334345-G-C.
Other names: short protein forms A426G.
Identifiers: ClinVar variation 2661089 (VCV002661089.24), dbSNP rs371513942, ClinGen allele CA414079561.

ClinVar aggregate classification (germline): Likely benign (1 of 4 stars; one submission).

gnomAD v4.1: 4 of 1,209,425 alleles (0.00033%); highest among the groups gnomAD compares: Non-Finnish European, 0.00045%; no homozygotes.

Submission:

CeGaT Center for Human Genetics Tuebingen
Classification: Likely benign. Last evaluated: 2023-04-01. Review status: criteria provided, single submitter. Criteria: CeGaT Center For Human Genetics Tuebingen Variant Classification Criteria Version 2. Collection method: clinical testing. Allele origin: germline. Affected: yes. Observed: 1 variant allele.
Comment: NXF3: BP4, BS2